The following is an entry in ClinVar:

NM_032108.4(SEMA6B):c.1366A>G (p.Lys456Glu)

Gene: SEMA6B (semaphorin 6B; minus strand). Cytogenetic location: 19p13.3.
Variant type: single nucleotide variant.
Coding change: c.1366A>G on transcript NM_032108.4 (MANE Select); coding-DNA position 1366, A replaced by G.
Protein change: p.Lys456Glu; replaces lysine 456 with glutamic acid.
Molecular consequence: missense variant.
Genome position (GRCh38, 1-based): chr19:4,548,351, T>C on the plus strand (A>G on the coding strand, the complement: SEMA6B is on the minus strand). VCF-style: chr19-4548351-T-C. GRCh37 (hg19) VCF-style: chr19-4548363-T-C.
Other names: short protein forms K456E.
Identifiers: ClinVar variation 4819549 (VCV004819549.1).

ClinVar aggregate classification (germline): Likely benign (1 of 4 stars; one submission).

Conditions:
Epilepsy, progressive myoclonic, 11. Identifiers: MedGen C5394362, MONDO:0030034, OMIM 618876.

Submission:

Centre for Medical Genetics,  Mumbai
Classification: Likely benign for Epilepsy, progressive myoclonic, 11. Last evaluated: 2026-03-16. Review status: criteria provided, single submitter. Criteria: ACMG Guidelines, 2015. Collection method: provider interpretation. Allele origin: germline. Inheritance: Autosomal dominant inheritance. Affected: no. Observed: 1 variant allele, 1 heterozygote.
Comment: The variant satisfies PM2 criteria; Extremely low frequency in gnomAD population databases. However, the variant satisfies BS2 criteria.

Literature cited by the submitters: PubMed 32169168.